The following is an entry in ClinVar:

ClinVar aggregate classification (germline): Uncertain significance. Review status: criteria provided, multiple submitters, no conflicts (2 of 4 stars). 2 submissions from 2 submitters: Uncertain significance (2). Last evaluated 2021-11-06.

Conditions:
Severe combined immunodeficiency due to DNA-PKcs deficiency. Also called: IMMUNODEFICIENCY 26 WITH NEUROLOGIC ABNORMALITIES; Immunodeficiency 26 with or without neurologic abnormalities. Identifiers: Orphanet 317425, MedGen C4014833, MONDO:0014423, OMIM 615966.

Allele frequency attached by ClinVar (database versions not stated): gnomAD exomes 0.00001; ExAC 0.00002; TOPMed 0.00002; gnomAD 0.00003.
gnomAD v4.1: 17 of 1,613,242 alleles (0.0011%); highest among the groups gnomAD compares: African/African-American, 0.0067%; no homozygotes.

Submissions (2):

Ambry Genetics
Classification: Uncertain significance. Last evaluated: 2021-11-06. Review status: criteria provided, single submitter. Criteria: Ambry Variant Classification Scheme 2023. Collection method: clinical testing. Allele origin: germline.
Comment: The p.R3247Q variant (also known as c.9740G>A), located in coding exon 69 of the PRKDC gene, results from a G to A substitution at nucleotide position 9740. The arginine at codon 3247 is replaced by glutamine, an amino acid with highly similar properties. This amino acid position is conserved. Since supporting evidence is limited at this time, the clinical significance of this alteration remains unclear.

Labcorp Genetics (formerly Invitae), Labcorp
Classification: Uncertain significance for Severe combined immunodeficiency due to DNA-PKcs deficiency. Last evaluated: 2020-01-10. Review status: criteria provided, single submitter. Criteria: Invitae Variant Classification Sherloc (09022015). Collection method: clinical testing. Allele origin: germline.
Comment: This sequence change replaces arginine with glutamine at codon 3247 of the PRKDC protein (p.Arg3247Gln). The arginine residue is moderately conserved and there is a small physicochemical difference between arginine and glutamine. The frequency data for this variant in the population databases is considered unreliable, as metrics indicate poor data quality at this position in the ExAC database. This variant has not been reported in the literature in individuals with PRKDC-related conditions. Algorithms developed to predict the effect of missense changes on protein structure and function are either unavailable or do not agree on the potential impact of this missense change (SIFT: Tolerated; PolyPhen-2: Not Available; Align-GVGD: Class C0). In summary, the available evidence is currently insufficient to determine the role of this variant in disease. Therefore, it has been classified as a Variant of Uncertain Significance.

NM_006904.7(PRKDC):c.9740G>A (p.Arg3247Gln)

Gene: PRKDC (protein kinase, DNA-activated, catalytic subunit; minus strand). Cytogenetic location: 8q11.21.
Variant type: single nucleotide variant.
Coding change: c.9740G>A on transcript NM_006904.7 (MANE Select); coding-DNA position 9740, G replaced by A.
Protein change: p.Arg3247Gln; replaces arginine 3247 with glutamine.
Molecular consequence: missense variant.
Genome position (GRCh38, 1-based): chr8:47,807,144, C>T on the plus strand (G>A on the coding strand, the complement: PRKDC is on the minus strand). VCF-style: chr8-47807144-C-T. GRCh37 (hg19) VCF-style: chr8-48719705-C-T.
Other names: c.9740G>A, p.Arg3247Gln (NM_001081640.2); short protein forms R3247Q.
Identifiers: ClinVar variation 964410 (VCV000964410.4), dbSNP rs770622309, ClinGen allele CA4739500.